The following is an entry in ClinVar:

ClinVar aggregate classification (germline): Uncertain significance. Review status: criteria provided, multiple submitters, no conflicts (2 of 4 stars). 3 submissions from 3 submitters: Uncertain significance (3). Last evaluated 2025-09-11.

Conditions:
EPILEPSY, CHILDHOOD ABSENCE, SUSCEPTIBILITY TO, 2 (ECA2). Identifiers: Orphanet 64280, MedGen C1843244, OMIM 607681.
Febrile seizures, familial, 8 (FEB8). Also called: CONVULSIONS, FAMILIAL FEBRILE, 8. Identifiers: Orphanet 36387, MedGen C1969810, MONDO:0011891, OMIM 607681.
Inborn genetic diseases. Identifiers: MedGen C0950123, MeSH D030342.

Allele frequency attached by ClinVar (database versions not stated): ExAC 0.00001; gnomAD exomes 0.00001; TOPMed 0.00001.

Submissions (3):

Labcorp Genetics (formerly Invitae), Labcorp
Classification: Uncertain significance for Febrile seizures, familial, 8; EPILEPSY, CHILDHOOD ABSENCE, SUSCEPTIBILITY TO, 2. Last evaluated: 2025-09-11. Review status: criteria provided, single submitter. Criteria: Invitae Variant Classification Sherloc (09022015). Collection method: clinical testing. Allele origin: germline.
Comment: This sequence change replaces threonine, which is neutral and polar, with alanine, which is neutral and non-polar, at codon 388 of the GABRG2 protein (p.Thr388Ala). This variant is present in population databases (rs759779386, gnomAD 0.0009%). This variant has not been reported in the literature in individuals affected with GABRG2-related conditions. ClinVar contains an entry for this variant (Variation ID: 1737088). Invitae Evidence Modeling of protein sequence and biophysical properties (such as structural, functional, and spatial information, amino acid conservation, physicochemical variation, residue mobility, and thermodynamic stability) indicates that this missense variant is not expected to disrupt GABRG2 protein function with a negative predictive value of 95%. In summary, the available evidence is currently insufficient to determine the role of this variant in disease. Therefore, it has been classified as a Variant of Uncertain Significance.

CeGaT Center for Human Genetics Tuebingen
Classification: Uncertain significance. Last evaluated: 2024-09-01. Review status: criteria provided, single submitter. Criteria: CeGaT Center For Human Genetics Tuebingen Variant Classification Criteria Version 2. Collection method: clinical testing. Allele origin: germline. Affected: yes. Observed: 1 variant allele.

Ambry Genetics
Classification: Uncertain significance for Inborn genetic diseases. Last evaluated: 2020-01-15. Review status: criteria provided, single submitter. Criteria: Ambry Variant Classification Scheme 2023. Collection method: clinical testing. Allele origin: germline.
Comment: The p.T388A variant (also known as c.1162A>G), located in coding exon 9 of the GABRG2 gene, results from an A to G substitution at nucleotide position 1162. The threonine at codon 388 is replaced by alanine, an amino acid with similar properties. This amino acid position is highly conserved in available vertebrate species. In addition, this alteration is predicted to be tolerated by in silico analysis. Since supporting evidence is limited at this time, the clinical significance of this alteration remains unclear.

NM_198904.4(GABRG2):c.1186A>G (p.Thr396Ala)

Gene: GABRG2 (gamma-aminobutyric acid type A receptor subunit gamma2; plus strand). Cytogenetic location: 5q34.
Variant type: single nucleotide variant.
Coding change: c.1186A>G on transcript NM_198904.4 (MANE Select); coding-DNA position 1186, A replaced by G.
Protein change: p.Thr396Ala; replaces threonine 396 with alanine.
Molecular consequence: missense variant. On other transcripts: 3 prime UTR variant (1).
Genome position (GRCh38, 1-based): chr5:162,153,126, A>G. VCF-style: chr5-162153126-A-G. GRCh37 (hg19) VCF-style: chr5-161580132-A-G.
Other names: c.1096A>G, p.Thr366Ala (NM_001375345.1); c.1120A>G, p.Thr374Ala (NM_001375346.1); c.1099A>G, p.Thr367Ala (NM_001375347.1); c.742A>G, p.Thr248Ala (NM_001375348.1); c.877A>G, p.Thr293Ala (NM_001375349.1); c.766A>G, p.Thr256Ala (NM_001375350.1); c.1306A>G, p.Thr436Ala (NM_198903.2); c.1162A>G, p.Thr388Ala (NM_000816.3); and 6 more; short protein forms T366A, T374A, T393A, T409A, T428A, T256A, T293A, T388A.
Identifiers: ClinVar variation 1737088 (VCV001737088.21), dbSNP rs759779386, ClinGen allele CA3544973.